The following is an entry in ClinVar:

ClinVar aggregate classification (germline): Uncertain significance. Review status: criteria provided, multiple submitters, no conflicts (2 of 4 stars). 2 submissions from 2 submitters: Uncertain significance (2). Last evaluated 2025-11-03.

Submissions (2):

Labcorp Genetics (formerly Invitae), Labcorp
Classification: Uncertain significance. Last evaluated: 2025-11-03. Review status: criteria provided, single submitter. Criteria: Invitae Variant Classification Sherloc (09022015). Collection method: clinical testing. Allele origin: germline.
Comment: This sequence change replaces serine, which is neutral and polar, with arginine, which is basic and polar, at codon 1051 of the NPAT protein (p.Ser1051Arg). This variant is not present in population databases (gnomAD no frequency). This variant has not been reported in the literature in individuals affected with NPAT-related conditions. ClinVar contains an entry for this variant (Variation ID: 1728196). An algorithm developed to predict the effect of missense changes on protein structure and function outputs the following: PolyPhen-2: "Benign". The arginine amino acid residue is found in multiple mammalian species, which suggests that this missense change does not adversely affect protein function. In summary, the available evidence is currently insufficient to determine the role of this variant in disease. Therefore, it has been classified as a Variant of Uncertain Significance.

Ambry Genetics
Classification: Uncertain significance. Last evaluated: 2023-11-22. Review status: criteria provided, single submitter. Criteria: Ambry Variant Classification Scheme 2023. Collection method: clinical testing. Allele origin: germline.
Comment: The p.S1051R variant (also known as c.3151A>C), located in coding exon 17 of the NPAT gene, results from an A to C substitution at nucleotide position 3151. The serine at codon 1051 is replaced by arginine, an amino acid with dissimilar properties. This amino acid position is conserved. In addition, this alteration is predicted to be tolerated by in silico analysis. Since supporting evidence is limited at this time, the clinical significance of this alteration remains unclear.

NM_002519.3(NPAT):c.3151A>C (p.Ser1051Arg)

Gene: NPAT (nuclear protein, coactivator of histone transcription; minus strand). Cytogenetic location: 11q22.3.
Variant type: single nucleotide variant.
Coding change: c.3151A>C on transcript NM_002519.3 (MANE Select); coding-DNA position 3151, A replaced by C.
Protein change: p.Ser1051Arg; replaces serine 1051 with arginine.
Molecular consequence: missense variant.
Genome position (GRCh38, 1-based): chr11:108,161,935, T>G on the plus strand (A>C on the coding strand, the complement: NPAT is on the minus strand). VCF-style: chr11-108161935-T-G. GRCh37 (hg19) VCF-style: chr11-108032662-T-G.
Other names: c.3172A>C, p.Ser1058Arg (NM_001321307.1); short protein forms S1058R, S1051R.
Identifiers: ClinVar variation 1728196 (VCV001728196.4), dbSNP rs757562197, ClinGen allele CA228374246.